The following is an entry in ClinVar:

ClinVar aggregate classification (germline): Uncertain significance (1 of 4 stars; one submission).

Conditions:
Cardiomyopathy (CMYO). Also called: Cardiomyopathies. Identifiers: Orphanet 167848, MedGen C0878544, MONDO:0004994, HP:0001638. Inheritance: Various modes of inheritance.

Submission:

Color Diagnostics, LLC DBA Color Health
Classification: Uncertain significance for Cardiomyopathy. Last evaluated: 2023-12-05. Review status: criteria provided, single submitter. Criteria: ACMG Guidelines, 2015. Collection method: clinical testing. Allele origin: germline.
Comment: This missense variant replaces valine with isoleucine at codon 4940 of the RYR2 protein. Computational prediction tools and conservation analyses suggest that this variant may have deleterious impact on the protein function. Computational splicing tools suggest that this variant may not impact RNA splicing. To our knowledge, functional assays have not been performed for this variant nor has this variant been reported in individuals affected with cardiovascular disorders in the literature. This variant has not been identified in the general population by the Genome Aggregation Database (gnomAD). Available evidence is insufficient to determine the role of this variant in disease conclusively. Therefore, this variant is classified as a Variant of Uncertain Significance.

NM_001035.3(RYR2):c.14818G>A (p.Val4940Ile)

Gene: RYR2 (ryanodine receptor 2; plus strand). Cytogenetic location: 1q43.
Variant type: single nucleotide variant.
Coding change: c.14818G>A on transcript NM_001035.3 (MANE Select); coding-DNA position 14818, G replaced by A.
Protein change: p.Val4940Ile; replaces valine 4940 with isoleucine.
Molecular consequence: missense variant.
Genome position (GRCh38, 1-based): chr1:237,832,561, G>A. VCF-style: chr1-237832561-G-A. GRCh37 (hg19) VCF-style: chr1-237995861-G-A.
Other names: c.14818G>A, p.Val4940Ile (LRG_402t1); short protein forms V4940I.
Identifiers: ClinVar variation 627736 (VCV000627736.6), dbSNP rs1558506940, ClinGen allele CA345410653.
Genomic context (GRCh38, chr1:237,832,561, plus strand): 5'-GTTAGCACACACTTTGGGGAAAATGTTAATACATTTCCTTGACTTTTGCAGGAATCTTAT[G>A]TCTGGAAGATGTATCAAGAAAGGTGTTGGGAATTTTTCCCAGCAGGGGATTGCTTCCGGA-3'
Protein context (NP_001026.2, residues 4930-4950): ETEHTGQESY[Val4940Ile]WKMYQERCWE